The following is an entry in ClinVar:

NM_001304360.2(CFAP74):c.2490G>A (p.Ser830=)

Gene: CFAP74 (cilia and flagella associated protein 74; minus strand). Cytogenetic location: 1p36.33.
Variant type: single nucleotide variant.
Coding change: c.2490G>A on transcript NM_001304360.2 (MANE Select); coding-DNA position 2490, G replaced by A.
Protein change: p.Ser830=; no amino-acid change (serine 830 retained).
Molecular consequence: synonymous variant.
Genome position (GRCh38, 1-based): chr1:1,942,153, C>T on the plus strand (G>A on the coding strand, the complement: CFAP74 is on the minus strand). VCF-style: chr1-1942153-C-T. GRCh37 (hg19) VCF-style: chr1-1873592-C-T.
Identifiers: ClinVar variation 4980185 (VCV004980185.1).

ClinVar aggregate classification (germline): Likely benign (1 of 4 stars; one submission).

Conditions:
CFAP74-related disorder. Also called: CFAP74-related condition.

gnomAD v4.1: 181 of 1,513,268 alleles (0.012%); highest among the groups gnomAD compares: East Asian, 0.41%; 2 homozygotes.

Submission:

PreventionGenetics, part of Exact Sciences
Classification: Likely benign for CFAP74-related condition. Last evaluated: 2025-07-25. Review status: criteria provided, single submitter. Criteria: ACMG Guidelines, 2015. Collection method: clinical testing. Allele origin: germline.
Comment: This variant is classified as likely benign based on ACMG/AMP sequence variant interpretation guidelines (Richards et al. 2015 PMID: 25741868, with internal and published modifications).